The following is an entry in ClinVar:

NM_001303052.2(MYT1L):c.2458C>T (p.Pro820Ser)

Gene: MYT1L (myelin transcription factor 1 like; minus strand). Cytogenetic location: 2p25.3.
Variant type: single nucleotide variant.
Coding change: c.2458C>T on transcript NM_001303052.2 (MANE Select); coding-DNA position 2458, C replaced by T.
Protein change: p.Pro820Ser; replaces proline 820 with serine.
Molecular consequence: missense variant.
Genome position (GRCh38, 1-based): chr2:1,889,303, G>A on the plus strand (C>T on the coding strand, the complement: MYT1L is on the minus strand). VCF-style: chr2-1889303-G-A. GRCh37 (hg19) VCF-style: chr2-1893075-G-A.
Other names: c.2458C>T, p.Pro820Ser (NM_001329844.2, NM_001329845.1, NM_001329851.3); c.2452C>T, p.Pro818Ser (NM_001329846.3, NM_001329847.2, NM_001329848.1 and 3 more transcripts); short protein forms P818S, P820S.
Identifiers: ClinVar variation 419098 (VCV000419098.2), dbSNP rs1064793641, ClinGen allele CA16617386.

ClinVar aggregate classification (germline): Uncertain significance (1 of 4 stars; one submission).

Allele frequency attached by ClinVar (database versions not stated): gnomAD exomes below 0.00001.
gnomAD v4.1: 1 of 1,613,762 alleles (0.000062%); highest among the groups gnomAD compares: Middle Eastern, 0.016%; no homozygotes.

Submission:

GeneDx
Classification: Uncertain significance. Last evaluated: 2016-01-06. Review status: criteria provided, single submitter. Criteria: GeneDx Variant Classification (06012015). Collection method: clinical testing. Allele origin: germline. Affected: yes.
Comment: The P818S variant in the MYT1L gene has not been published as a pathogenic variant, nor has it been reported as a benign variant to our knowledge. The P818S variant was not observed in approximately 6,200 individuals of European and African American ancestry in the NHLBI Exome Sequencing Project, indicating it is not a common benign variant in these populations. The P818S variant is a non-conservative amino acid substitution, which is likely to impact secondary protein structure as these residues differ in polarity, charge, size and/or other properties. This substitution occurs at a position that is conserved across species, and in silico analysis predicts this variant is probably damaging to the protein structure/function. We interpret P818S as a variant of uncertain significance.